The following is an entry in ClinVar:

NM_000142.5(FGFR3):c.653T>C (p.Val218Ala)

Gene: FGFR3 (fibroblast growth factor receptor 3; plus strand). Cytogenetic location: 4p16.3.
Variant type: single nucleotide variant.
Coding change: c.653T>C on transcript NM_000142.5 (MANE Select); coding-DNA position 653, T replaced by C.
Protein change: p.Val218Ala; replaces valine 218 with alanine.
Molecular consequence: missense variant. On other transcripts: non-coding transcript variant (1).
Genome position (GRCh38, 1-based): chr4:1,801,657, T>C. VCF-style: chr4-1801657-T-C. GRCh37 (hg19) VCF-style: chr4-1803384-T-C.
Other names: c.653T>C, p.Val218Ala (NM_001163213.2, NM_001354809.2, NM_001354810.2 and 1 more transcripts); short protein forms V218A.
Identifiers: ClinVar variation 1680021 (VCV001680021.6), dbSNP rs766513208, ClinGen allele CA2809911.

ClinVar aggregate classification (germline): Uncertain significance (1 of 4 stars; one submission).

Allele frequency attached by ClinVar (database versions not stated): gnomAD exomes below 0.00001 and 0.00001; ExAC 0.00001; gnomAD 0.00001.
gnomAD v4.1: 3 of 1,611,440 alleles (0.00019%); highest among the groups gnomAD compares: South Asian, 0.0033%; no homozygotes.

Submission:

Labcorp Genetics (formerly Invitae), Labcorp
Classification: Uncertain significance. Last evaluated: 2024-11-19. Review status: criteria provided, single submitter. Criteria: Invitae Variant Classification Sherloc (09022015). Collection method: clinical testing. Allele origin: germline.
Comment: This sequence change replaces valine, which is neutral and non-polar, with alanine, which is neutral and non-polar, at codon 218 of the FGFR3 protein (p.Val218Ala). This variant is present in population databases (rs766513208, gnomAD 0.003%). This variant has not been reported in the literature in individuals affected with FGFR3-related conditions. ClinVar contains an entry for this variant (Variation ID: 1680021). Invitae Evidence Modeling of protein sequence and biophysical properties (such as structural, functional, and spatial information, amino acid conservation, physicochemical variation, residue mobility, and thermodynamic stability) has been performed for this missense variant. However, the output from this modeling did not meet the statistical confidence thresholds required to predict the impact of this variant on FGFR3 protein function. In summary, the available evidence is currently insufficient to determine the role of this variant in disease. Therefore, it has been classified as a Variant of Uncertain Significance.